The following is an entry in ClinVar:

NM_001369.3(DNAH5):c.4133T>C (p.Ile1378Thr)

Genes: DNAH5 (dynein axonemal heavy chain 5; minus strand), DNAH5-AS1 (DNAH5 antisense RNA 1; plus strand). Cytogenetic location: 5p15.2.
Variant type: single nucleotide variant.
Coding change: c.4133T>C on transcript NM_001369.3 (MANE Select); coding-DNA position 4133, T replaced by C.
Protein change: p.Ile1378Thr; replaces isoleucine 1378 with threonine.
Molecular consequence: missense variant.
Genome position (GRCh38, 1-based): chr5:13,865,890, A>G on the plus strand (T>C on the coding strand, the complement: DNAH5 is on the minus strand). VCF-style: chr5-13865890-A-G. GRCh37 (hg19) VCF-style: chr5-13865999-A-G.
Other names: short protein forms I1378T.
Identifiers: ClinVar variation 454774 (VCV000454774.18), dbSNP rs536502106, ClinGen allele CA3204053.

ClinVar aggregate classification (germline): Conflicting classifications of pathogenicity. Review status: criteria provided, conflicting classifications (1 of 4 stars). 4 submissions from 4 submitters: Uncertain significance (2); Likely benign (1). 1 of the submissions does not count toward it. Last evaluated 2026-02-05.

Conditions:
Primary ciliary dyskinesia. Also called: Ciliary dyskinesia. Identifiers: Orphanet 244, MedGen C0008780, MONDO:0016575, HP:0012265.

Allele frequency attached by ClinVar (database versions not stated): gnomAD exomes 0.00002; ExAC 0.00003; gnomAD 0.00007 and 0.00008; TOPMed 0.00008; 1000 Genomes Project 30x 0.00016; 1000 Genomes Project 0.00020.
gnomAD v4.1: 16 of 1,596,708 alleles (0.001%); highest among the groups gnomAD compares: African/African-American, 0.021%; no homozygotes.

Submissions (4):

GeneDx
Classification: Uncertain significance. Last evaluated: 2026-02-05. Review status: criteria provided, single submitter. Criteria: GeneDx Variant Classification Process June 2021. Collection method: clinical testing. Allele origin: germline.
Comment: Reported in a cohort of patients with cardiac left sided lesions; however, a second variant in the DNAH5 was not reported (PMID: 29089047); In silico analysis supports that this missense variant has a deleterious effect on protein structure/function; This variant is associated with the following publications: (PMID: 29089047)

Labcorp Genetics (formerly Invitae), Labcorp
Classification: Likely benign for Primary ciliary dyskinesia. Last evaluated: 2025-06-13. Review status: criteria provided, single submitter. Criteria: Invitae Variant Classification Sherloc (09022015). Collection method: clinical testing. Allele origin: germline.

Ambry Genetics
Classification: Uncertain significance for Primary ciliary dyskinesia. Last evaluated: 2024-10-27. Review status: criteria provided, single submitter. Criteria: Ambry Variant Classification Scheme 2023. Collection method: clinical testing. Allele origin: germline.
Comment: The p.I1378T variant (also known as c.4133T>C), located in coding exon 27 of the DNAH5 gene, results from a T to C substitution at nucleotide position 4133. The isoleucine at codon 1378 is replaced by threonine, an amino acid with similar properties. This alteration was identified in one individual a cohort of individuals with congenital cardiac left sided lesion who underwent whole exome sequencing; no additional information was provided (Li AH et al. Genome Med, 2017 10;9:95). This amino acid position is not well conserved in available vertebrate species. In addition, this alteration is predicted to be tolerated by in silico analysis. Since supporting evidence is limited at this time, the clinical significance of this alteration remains unclear.

Natera, Inc.
Classification: Uncertain significance for Primary ciliary dyskinesia. Last evaluated: 2019-10-28. Review status: no assertion criteria provided. Collection method: clinical testing. Allele origin: germline. Not counted in ClinVar's aggregate classification.

Literature cited by the submitters: PubMed 29089047 (cited by Ambry Genetics).